The following is an entry in ClinVar:

NM_001174089.2(SLC4A11):c.523+1G>C

Gene: SLC4A11 (solute carrier family 4 member 11; minus strand). Cytogenetic location: 20p13.
Variant type: single nucleotide variant.
Coding change: c.523+1G>C on transcript NM_001174089.2 (MANE Select); the canonical splice donor site of the intron after coding-DNA position 523, G replaced by C.
Molecular consequence: splice donor variant.
Genome position (GRCh38, 1-based): chr20:3,234,082, C>G on the plus strand (G>C on the coding strand, the complement: SLC4A11 is on the minus strand). VCF-style: chr20-3234082-C-G. GRCh37 (hg19) VCF-style: chr20-3214728-C-G.
Other names: c.466+1G>C (NM_001400277.1, NM_001400278.1, NM_001400279.1); c.523+1G>C (NM_001363745.2); c.652+1G>C (NM_001400280.1, NM_001174090.2); c.571+1G>C (NM_032034.4).
Identifiers: ClinVar variation 1067024 (VCV001067024.7), dbSNP rs1295194870, ClinGen allele CA408093386.

ClinVar aggregate classification (germline): Likely pathogenic (1 of 4 stars; one submission).

Submission:

Labcorp Genetics (formerly Invitae), Labcorp
Classification: Likely pathogenic. Last evaluated: 2022-05-27. Review status: criteria provided, single submitter. Criteria: Invitae Variant Classification Sherloc (09022015). Collection method: clinical testing. Allele origin: germline.
Comment: In summary, the currently available evidence indicates that the variant is pathogenic, but additional data are needed to prove that conclusively. Therefore, this variant has been classified as Likely Pathogenic. Algorithms developed to predict the effect of sequence changes on RNA splicing suggest that this variant may disrupt the consensus splice site. ClinVar contains an entry for this variant (Variation ID: 1067024). This variant has not been reported in the literature in individuals affected with SLC4A11-related conditions. This variant is not present in population databases (gnomAD no frequency). This sequence change affects a donor splice site in intron 4 of the SLC4A11 gene. It is expected to disrupt RNA splicing. Variants that disrupt the donor or acceptor splice site typically lead to a loss of protein function (PMID: 16199547), and loss-of-function variants in SLC4A11 are known to be pathogenic (PMID: 17220209, 17679935).

Literature cited by the submitters: PubMed 16199547; PubMed 17220209; PubMed 17679935.